The following is an entry in ClinVar:

ClinVar aggregate classification (germline): Uncertain significance. Review status: criteria provided, multiple submitters, no conflicts (2 of 4 stars). 2 submissions from 2 submitters: Uncertain significance (2). Last evaluated 2024-10-16.

Conditions:
Inborn genetic diseases. Identifiers: MedGen C0950123, MeSH D030342.
Hereditary sensory and autonomic neuropathy type 7. Also called: Neuropathy, hereditary sensory and autonomic, type VII; HSAN VII. Identifiers: Orphanet 391397, MedGen C3809882, MONDO:0014244, OMIM 615548.
Familial episodic pain syndrome with predominantly lower limb involvement. Also called: Episodic pain syndrome, familial, 3. Identifiers: Orphanet 391384, Orphanet 391392, MedGen C3809899, MONDO:0014247, OMIM 615552.

Allele frequency attached by ClinVar (database versions not stated): gnomAD 0.00001 and 0.00002; TOPMed 0.00002.
gnomAD v4.1: 8 of 1,607,928 alleles (0.0005%); highest among the groups gnomAD compares: Non-Finnish European, 0.00068%; no homozygotes.

Submissions (2):

Labcorp Genetics (formerly Invitae), Labcorp
Classification: Uncertain significance for Familial episodic pain syndrome with predominantly lower limb involvement; Hereditary sensory and autonomic neuropathy type 7. Last evaluated: 2024-10-16. Review status: criteria provided, single submitter. Criteria: Invitae Variant Classification Sherloc (09022015). Collection method: clinical testing. Allele origin: germline.
Comment: This sequence change replaces valine, which is neutral and non-polar, with isoleucine, which is neutral and non-polar, at codon 235 of the SCN11A protein (p.Val235Ile). This variant is present in population databases (no rsID available, gnomAD 0.0009%). This variant has not been reported in the literature in individuals affected with SCN11A-related conditions. ClinVar contains an entry for this variant (Variation ID: 1419915). Invitae Evidence Modeling of protein sequence and biophysical properties (such as structural, functional, and spatial information, amino acid conservation, physicochemical variation, residue mobility, and thermodynamic stability) indicates that this missense variant is not expected to disrupt SCN11A protein function with a negative predictive value of 80%. In summary, the available evidence is currently insufficient to determine the role of this variant in disease. Therefore, it has been classified as a Variant of Uncertain Significance.

Ambry Genetics
Classification: Uncertain significance for Inborn genetic diseases. Last evaluated: 2021-10-08. Review status: criteria provided, single submitter. Criteria: Ambry Variant Classification Scheme 2023. Collection method: clinical testing. Allele origin: germline.
Comment: The p.V235I variant (also known as c.703G>A), located in coding exon 5 of the SCN11A gene, results from a G to A substitution at nucleotide position 703. The valine at codon 235 is replaced by isoleucine, an amino acid with highly similar properties. This amino acid position is conserved. In addition, the in silico prediction for this alteration is inconclusive. Since supporting evidence is limited at this time, the clinical significance of this alteration remains unclear.

NM_001349253.2(SCN11A):c.703G>A (p.Val235Ile)

Gene: SCN11A (sodium voltage-gated channel alpha subunit 11; minus strand). Cytogenetic location: 3p22.2.
Variant type: single nucleotide variant.
Coding change: c.703G>A on transcript NM_001349253.2 (MANE Select); coding-DNA position 703, G replaced by A.
Protein change: p.Val235Ile; replaces valine 235 with isoleucine.
Molecular consequence: missense variant.
Genome position (GRCh38, 1-based): chr3:38,925,424, C>T on the plus strand (G>A on the coding strand, the complement: SCN11A is on the minus strand). VCF-style: chr3-38925424-C-T. GRCh37 (hg19) VCF-style: chr3-38966915-C-T.
Other names: c.703G>A, p.Val235Ile (NM_014139.3); short protein forms V235I.
Identifiers: ClinVar variation 1419915 (VCV001419915.10), dbSNP rs770885330, ClinGen allele CA72974239.